The following is an entry in ClinVar:

NM_001267550.2(TTN):c.19856A>C (p.Lys6619Thr)

Genes: TTN (titin; minus strand), LOC126806429 (BRD4-independent group 4 enhancer GRCh37_chr2:179591393-179592592; plus strand). Cytogenetic location: 2q31.2.
Variant type: single nucleotide variant.
Coding change: c.19856A>C on transcript NM_001267550.2 (MANE Select); coding-DNA position 19856, A replaced by C.
Protein change: p.Lys6619Thr; replaces lysine 6619 with threonine.
Molecular consequence: missense variant. On other transcripts: intron variant (3).
Genome position (GRCh38, 1-based): chr2:178,727,722, T>G on the plus strand (A>C on the coding strand, the complement: TTN is on the minus strand). VCF-style: chr2-178727722-T-G. GRCh37 (hg19) VCF-style: chr2-179592449-T-G.
Other names: c.18905A>C, p.Lys6302Thr (NM_001256850.1); c.16124A>C, p.Lys5375Thr (NM_133378.4); c.13282+10360A>C (NM_003319.4); c.13858+10360A>C (NM_133437.4); c.13657+10360A>C (NM_133432.3); short protein forms K5375T, K6302T, K6619T.
Identifiers: ClinVar variation 2437939 (VCV002437939.7), dbSNP rs368720026, ClinGen allele CA2001325.

ClinVar aggregate classification (germline): Uncertain significance. Review status: criteria provided, multiple submitters, no conflicts (2 of 4 stars). 4 submissions from 4 submitters: Uncertain significance (4). Last evaluated 2026-06-18.

Conditions:
TTN-related disorder. Also called: TTN-related condition; TTN-related disease; TTN-related disorders.

Allele frequency attached by ClinVar (database versions not stated): gnomAD exomes 0.00001; ExAC 0.00002; gnomAD 0.00006; ESP Exome Variant Server 0.00008; TOPMed 0.00008.
gnomAD v4.1: 14 of 1,613,214 alleles (0.00087%); highest among the groups gnomAD compares: African/African-American, 0.013%; no homozygotes.

Submissions (4):

GeneDx
Classification: Uncertain significance. Last evaluated: 2026-06-18. Review status: criteria provided, single submitter. Criteria: GeneDx Variant Classification Process June 2021. Collection method: clinical testing. Allele origin: germline.
Comment: Not observed at significant frequency in large population cohorts (gnomAD); Missense variant in a gene in which most reported pathogenic variants are truncating/loss of function; Has not been previously published as pathogenic or benign to our knowledge

Women's Health and Genetics/Laboratory Corporation of America, LabCorp
Classification: Uncertain significance. Last evaluated: 2025-06-30. Review status: criteria provided, single submitter. Criteria: LabCorp Variant Classification Summary - May 2015. Collection method: clinical testing. Allele origin: germline.

PreventionGenetics, part of Exact Sciences
Classification: Uncertain significance for TTN-related condition. Last evaluated: 2025-05-28. Review status: criteria provided, single submitter. Criteria: ACMG Guidelines, 2015. Collection method: clinical testing. Allele origin: germline.
Comment: The TTN c.19856A>C variant is predicted to result in the amino acid substitution p.Lys6619Thr. To our knowledge, this variant has not been reported in the literature. This variant is reported in 0.0065% of alleles in individuals of African descent in gnomAD. At this time, the clinical significance of this variant is uncertain due to the absence of conclusive functional and genetic evidence.

Revvity Omics, Revvity
Classification: Uncertain significance. Last evaluated: 2021-02-09. Review status: criteria provided, single submitter. Criteria: ACMG Guidelines, 2015. Collection method: clinical testing. Allele origin: germline.